The following is an entry in ClinVar:

NM_001096.3(ACLY):c.807G>C (p.Leu269=)

Gene: ACLY (ATP citrate lyase; minus strand). Cytogenetic location: 17q21.2.
Variant type: single nucleotide variant.
Coding change: c.807G>C on transcript NM_001096.3 (MANE Select); coding-DNA position 807, G replaced by C.
Protein change: p.Leu269=; no amino-acid change (leucine 269 retained).
Molecular consequence: synonymous variant.
Genome position (GRCh38, 1-based): chr17:41,906,587, C>G on the plus strand (G>C on the coding strand, the complement: ACLY is on the minus strand). VCF-style: chr17-41906587-C-G. GRCh37 (hg19) VCF-style: chr17-40062840-C-G.
Other names: c.969G>C, p.Leu323= (NM_001303274.1, NM_001303275.1); c.807G>C, p.Leu269= (NM_198830.2).
Identifiers: ClinVar variation 2647777 (VCV002647777.24), dbSNP rs769677609, ClinGen allele CA290709255.

ClinVar aggregate classification (germline): Likely benign (1 of 4 stars; one submission).

Allele frequency attached by ClinVar (database versions not stated): TOPMed below 0.00001.
gnomAD v4.1: 4 of 1,614,212 alleles (0.00025%); highest among the groups gnomAD compares: Non-Finnish European, 0.00025%; no homozygotes.

Submission:

CeGaT Center for Human Genetics Tuebingen
Classification: Likely benign. Last evaluated: 2022-05-01. Review status: criteria provided, single submitter. Criteria: CeGaT Center For Human Genetics Tuebingen Variant Classification Criteria Version 2. Collection method: clinical testing. Allele origin: germline. Affected: yes. Observed: 1 variant allele.
Comment: ACLY: PM2:Supporting, BP4, BP7